The following is an entry in ClinVar:

ClinVar aggregate classification (germline): Uncertain significance (1 of 4 stars; one submission).

Allele frequency attached by ClinVar (database versions not stated): gnomAD 0.00001.
gnomAD v4.1: 13 of 1,597,790 alleles (0.00081%); highest among the groups gnomAD compares: South Asian, 0.0046%; no homozygotes.

Submission:

Labcorp Genetics (formerly Invitae), Labcorp
Classification: Uncertain significance. Last evaluated: 2022-05-20. Review status: criteria provided, single submitter. Criteria: Invitae Variant Classification Sherloc (09022015). Collection method: clinical testing. Allele origin: germline.
Comment: In summary, the available evidence is currently insufficient to determine the role of this variant in disease. Therefore, it has been classified as a Variant of Uncertain Significance. Algorithms developed to predict the effect of missense changes on protein structure and function are either unavailable or do not agree on the potential impact of this missense change (SIFT: "Deleterious"; PolyPhen-2: "Benign"; Align-GVGD: "Class C0"). This variant has not been reported in the literature in individuals affected with MCM4-related conditions. The frequency data for this variant in the population databases is considered unreliable, as metrics indicate poor data quality at this position in the gnomAD database. This sequence change replaces alanine, which is neutral and non-polar, with threonine, which is neutral and polar, at codon 265 of the MCM4 protein (p.Ala265Thr).

NM_182746.3(MCM4):c.793G>A (p.Ala265Thr)

Gene: MCM4 (minichromosome maintenance complex component 4; plus strand). Cytogenetic location: 8q11.21.
Variant type: single nucleotide variant.
Coding change: c.793G>A on transcript NM_182746.3 (MANE Select); coding-DNA position 793, G replaced by A.
Protein change: p.Ala265Thr; replaces alanine 265 with threonine.
Molecular consequence: missense variant.
Genome position (GRCh38, 1-based): chr8:47,964,673, G>A. VCF-style: chr8-47964673-G-A. GRCh37 (hg19) VCF-style: chr8-48877233-G-A.
Other names: c.793G>A, p.Ala265Thr (NM_005914.4); short protein forms A265T.
Identifiers: ClinVar variation 1965198 (VCV001965198.5), dbSNP rs906263856, ClinGen allele CA176155761.
Genomic context (GRCh38, chr8:47,964,673, plus strand): 5'-TTCTTTGACCGTTACCCTGACTCAATCTTAGAACATCAGATTCAAGTAAGACCATTCAAC[G>A]CATTGAAGACTAAGAATATGAGAAACCTGAATCCAGAAGGTAATGTATTTTTCATAGGAT-3'
Protein context (NP_877423.1, residues 255-275): EHQIQVRPFN[Ala265Thr]LKTKNMRNLN